The following is an entry in ClinVar:

NC_000006.12:g.31970674T>C

Genes: DXO (decapping exoribonuclease; minus strand), SKIC2 (SKI2 subunit of superkiller complex; plus strand). Cytogenetic location: 6p21.33.
Variant type: single nucleotide variant.
Molecular consequence: synonymous variant (on NM_005510.4). On other transcripts: non-coding transcript variant (4).
Genome position: GRCh38 VCF-style: chr6-31970674-T-C. GRCh37 (hg19) VCF-style: chr6-31938451-T-C.
Other names: c.192A>G, p.Pro64= (NM_001371205.1, NM_001371206.1, NM_001438480.1); c.744A>G, p.Pro248= (NM_001438478.1, NM_001438479.1, NM_005510.4).
Identifiers: ClinVar variation 403445 (VCV000403445.5), dbSNP rs35337578, ClinGen allele CA3730300.
Genomic context (GRCh38, chr6:31,970,674, plus strand): 5'-ACTCCTCCATTGGCCAGGGCTGTGCATCTCCTTGGAGGTCTTGAGCTCCACATAGCAGGT[T>C]GGGGGCTGTGTGGATGGGGCTTGGGGGTCTGTGCAGTCTACCTCCCCTGAGAAGAGCAGA-3'

ClinVar aggregate classification (germline): Benign (1 of 4 stars; one submission).

Allele frequency attached by ClinVar (database versions not stated): gnomAD exomes 0.08977 and 0.08525; ExAC 0.09067; gnomAD 0.10064 and 0.10065; ESP Exome Variant Server 0.11247; 1000 Genomes Project 0.11981; 1000 Genomes Project 30x 0.11883; TOPMed 0.10693.
gnomAD v4.1: 140,690 of 1,612,802 alleles (8.7%); highest among the groups gnomAD compares: African/African-American, 14%; 7,142 homozygotes.

Submission:

Laboratory for Molecular Medicine, Mass General Brigham Personalized Medicine
Classification: Benign. Last evaluated: 2016-03-29. Review status: criteria provided, single submitter. Criteria: LMM Criteria. Collection method: clinical testing. Allele origin: germline.
Comment: Variant identified in a genome or exome case(s) and assessed due to predicted null impact of the variant or pathogenic assertions in the literature or databases. Disclaimer: This variant has not undergone full assessment. The following are preliminary notes: MAF